The following is an entry in ClinVar:

ClinVar aggregate classification (germline): Benign (1 of 4 stars; one submission).

Allele frequency attached by ClinVar (database versions not stated): 1000 Genomes Project 30x 0.12976; 1000 Genomes Project 0.13159; TOPMed 0.16392; gnomAD 0.17050 and 0.17057.
gnomAD v4.1: 26,065 of 152,112 alleles (17%); highest among the groups gnomAD compares: Middle Eastern, 28%; 2,830 homozygotes.

Submission:

GeneDx
Classification: Benign. Last evaluated: 2018-06-16. Review status: criteria provided, single submitter. Criteria: GeneDx Variant Classification (06012015). Collection method: clinical testing. Allele origin: germline. Affected: yes.
Comment: This variant is considered likely benign or benign based on one or more of the following criteria: it is a conservative change, it occurs at a poorly conserved position in the protein, it is predicted to be benign by multiple in silico algorithms, and/or has population frequency not consistent with disease.

NM_020778.5(ALPK3):c.4129+193G>A

Gene: ALPK3 (alpha kinase 3; plus strand). Cytogenetic location: 15q25.3.
Variant type: single nucleotide variant.
Coding change: c.4129+193G>A on transcript NM_020778.5 (MANE Select); 193 bases into the intron after coding-DNA position 4129, G replaced by A.
Molecular consequence: intron variant.
Genome position (GRCh38, 1-based): chr15:84,860,265, G>A. VCF-style: chr15-84860265-G-A. GRCh37 (hg19) VCF-style: chr15-85403496-G-A.
Identifiers: ClinVar variation 678542 (VCV000678542.1), dbSNP rs12907646, ClinGen allele CA14123389.